The following is an entry in ClinVar:

NM_001005273.3(CHD3):c.3239T>A (p.Leu1080His)

Gene: CHD3 (chromodomain helicase DNA binding protein 3; plus strand). Cytogenetic location: 17p13.1.
Variant type: single nucleotide variant.
Coding change: c.3239T>A on transcript NM_001005273.3 (MANE Select); coding-DNA position 3239, T replaced by A.
Protein change: p.Leu1080His; replaces leucine 1080 with histidine.
Molecular consequence: missense variant.
Genome position (GRCh38, 1-based): chr17:7,901,362, T>A. VCF-style: chr17-7901362-T-A. GRCh37 (hg19) VCF-style: chr17-7804680-T-A.
Other names: c.3416T>A, p.Leu1139His (NM_001005271.3); c.3239T>A, p.Leu1080His (NM_005852.4); short protein forms L1080H, L1139H.
Identifiers: ClinVar variation 1325842 (VCV001325842.1), dbSNP rs2151582175, ClinGen allele CA397941399.
Genomic context (GRCh38, chr17:7,901,362, plus strand): 5'-GGAAGCTCATGCTGCTCCAGAAGATGCTGCGAAAGCTGAAGGAGCAAGGACACCGAGTGC[T>A]CATCTTCTCGCAGGTGACCTGTGCCCTTAGCTGTCTTTACATCTGCTTCCTCTTCCCTCT-3'
Protein context (NP_001005273.1, residues 1070-1090): RKLKEQGHRV[Leu1080His]IFSQMTKMLD

ClinVar aggregate classification (germline): Likely pathogenic (1 of 4 stars; one submission).

Conditions:
Snijders Blok-Campeau syndrome. Also called: INTELLECTUAL DEVELOPMENTAL DISORDER WITH MACROCEPHALY, SPEECH DELAY, AND DYSMORPHIC FACIES. Identifiers: Orphanet 599082, MedGen C4748701, MONDO:0032600, OMIM 618205.

Submission:

Institute of Human Genetics, University of Leipzig Medical Center
Classification: Likely pathogenic for Snijders Blok-Campeau syndrome. Last evaluated: 2021-10-12. Review status: criteria provided, single submitter. Criteria: ACMG Guidelines, 2015. Collection method: clinical testing. Allele origin: unknown. Affected: yes.
Comment: _x000D_ Criteria applied: PS4_SUP, PS2_MOD, PM2_SUP, PP2, PP3